The following is an entry in ClinVar:

ClinVar aggregate classification (germline): Likely benign. Review status: criteria provided, multiple submitters, no conflicts (2 of 4 stars). 5 submissions from 5 submitters: Likely benign (4). 1 of the submissions does not count toward it. Last evaluated 2026-01-26.

Conditions:
KIF23-related disorder. Also called: KIF23-related condition.

Allele frequency attached by ClinVar (database versions not stated): 1000 Genomes Project 0.00100; 1000 Genomes Project 30x 0.00125; ESP Exome Variant Server 0.00208.
gnomAD v4.1: 2,899 of 1,614,208 alleles (0.18%); highest among the groups gnomAD compares: Non-Finnish European, 0.22%; 6 homozygotes.

Submissions (7):

Labcorp Genetics (formerly Invitae), Labcorp
Classification: Likely benign. Last evaluated: 2026-01-26. Review status: criteria provided, single submitter. Criteria: Invitae Variant Classification Sherloc (09022015). Collection method: clinical testing. Allele origin: germline.

Mayo Clinic Laboratories, Mayo Clinic
Classification: Likely benign. Last evaluated: 2025-06-11. Review status: criteria provided, single submitter. Criteria: ACMG Guidelines, 2015. Collection method: clinical testing. Allele origin: germline. Observed: 6 variant alleles.
Comment: BS2, BP4_moderate

Blueprint Genetics
Classification: Likely benign. Last evaluated: 2024-11-11. Review status: criteria provided, single submitter. Criteria: ACMG Guidelines, 2015. Collection method: clinical testing. Allele origin: germline.

CeGaT Center for Human Genetics Tuebingen
Classification: Likely benign. Last evaluated: 2024-03-01. Review status: criteria provided, single submitter. Criteria: CeGaT Center For Human Genetics Tuebingen Variant Classification Criteria Version 2. Collection method: clinical testing. Allele origin: germline. Affected: yes. Observed: 2 variant alleles.
Comment: KIF23: BP4, BS1

PreventionGenetics, part of Exact Sciences
Classification: Likely benign for KIF23-related condition. Last evaluated: 2022-06-27. Review status: no assertion criteria provided. Collection method: clinical testing. Allele origin: germline. Not counted in ClinVar's aggregate classification.
Comment: This variant is classified as likely benign based on ACMG/AMP sequence variant interpretation guidelines (Richards et al. 2015 PMID: 25741868, with internal and published modifications).

Dr. Peter K. Rogan Lab, Western University
No classification provided (evidence only). Condition: Familial cancer of breast. Review status: no classification provided. Collection method: in vitro. Allele origin: not applicable. Functional consequence: retained intron. Not counted in ClinVar's aggregate classification.

Dr. Peter K. Rogan Lab, Western University
No classification provided (evidence only). Condition: Familial cancer of breast. Review status: no classification provided. Collection method: in vitro. Allele origin: not applicable. Functional consequence: retained intron. Not counted in ClinVar's aggregate classification.

NM_001367805.3(KIF23):c.2323G>A (p.Val775Met)

Gene: KIF23 (kinesin family member 23; plus strand). Cytogenetic location: 15q23.
Variant type: single nucleotide variant.
Coding change: c.2323G>A on transcript NM_001367805.3 (MANE Select); coding-DNA position 2323, G replaced by A.
Protein change: p.Val775Met; replaces valine 775 with methionine.
Molecular consequence: missense variant. On other transcripts: non-coding transcript variant (1), intron variant (1).
Genome position (GRCh38, 1-based): chr15:69,440,981, G>A. VCF-style: chr15-69440981-G-A. GRCh37 (hg19) VCF-style: chr15-69733320-G-A.
Other names: p.Val761Met; c.1951G>A, p.Val651Met (NM_001281301.2); c.2281G>A, p.Val761Met (NM_001367804.2, NM_138555.4); c.2067+494G>A (NM_004856.7); c.2281G>A (NM_138555.3); short protein forms V651M, V761M, V775M.
Identifiers: ClinVar variation 2054804 (VCV002054804.33), dbSNP rs76148443, ClinGen allele CA7635373.